The following is an entry in ClinVar:

NM_025074.7(FRAS1):c.5169_5175del (p.Ala1724fs)

Gene: FRAS1 (Fraser extracellular matrix complex subunit 1; plus strand). Cytogenetic location: 4q21.21.
Variant type: Deletion.
Coding change: c.5169_5175del on transcript NM_025074.7 (MANE Select); coding-DNA positions 5169 to 5175, 7 bases deleted (TGCCAGT; older notation c.5169_5175delTGCCAGT).
Protein change: p.Ala1724fs; shifts the reading frame from alanine 1724.
Molecular consequence: frameshift variant.
Genome position (GRCh38, 1-based): chr4:78,432,556-78,432,562, TGCCAGT deleted; deleting any 7 consecutive bases within chr4:78,432,554-78,432,562 gives the same sequence; the c. name uses the placement nearest the transcript's 3' end. VCF-style (leftmost placement, unchanged base first): chr4-78432553-TGTTGCCA-T. GRCh37 (hg19) VCF-style: chr4-79353707-TGTTGCCA-T.
Other names: c.5169_5175del, p.Ala1724fs (NM_001166133.2); short protein forms A1724fs.
Identifiers: ClinVar variation 916654 (VCV000916654.2), dbSNP rs1734259370, ClinGen allele CA1064470558.

ClinVar aggregate classification (germline): Pathogenic. Review status: criteria provided, multiple submitters, no conflicts (2 of 4 stars). 2 submissions from 2 submitters: Pathogenic (2). Last evaluated 2026-01-25.

Conditions:
Fraser syndrome 1 (FRASRS1). Also called: CRYPTOPHTHALMOS WITH OTHER MALFORMATIONS. Identifiers: Orphanet 2052, MedGen C4551480, MONDO:0054737, OMIM 219000.

Submissions (2):

Labcorp Genetics (formerly Invitae), Labcorp
Classification: Pathogenic. Last evaluated: 2026-01-25. Review status: criteria provided, single submitter. Criteria: Invitae Variant Classification Sherloc (09022015). Collection method: clinical testing. Allele origin: germline.
Comment: This sequence change creates a premature translational stop signal (p.Ala1724Lysfs*5) in the FRAS1 gene. It is expected to result in an absent or disrupted protein product. Loss-of-function variants in FRAS1 are known to be pathogenic (PMID: 12766769, 18671281). This variant is not present in population databases (gnomAD no frequency). This variant has not been reported in the literature in individuals affected with FRAS1-related conditions. ClinVar contains an entry for this variant (Variation ID: 916654). Algorithms developed to predict the effect of sequence changes on RNA splicing suggest that this variant may disrupt the consensus splice site. For these reasons, this variant has been classified as Pathogenic.

Service de Biochimie Médicale et Biologie Moléculaire, CHU Clermont-Ferrand
Classification: Pathogenic for Fraser syndrome 1. Last evaluated: 2018-09-14. Review status: criteria provided, single submitter. Criteria: ACMG Guidelines, 2015. Collection method: clinical testing. Allele origin: inherited. Inheritance: Autosomal recessive inheritance. Affected: yes.
Comment: This variant in homozygous state or compound heterozygous state induced Fraser syndrome phenotype

Literature cited by the submitters: PubMed 12766769 (cited by Labcorp Genetics (formerly Invitae), Labcorp); PubMed 18671281 (cited by Labcorp Genetics (formerly Invitae), Labcorp).